The following continues an entry in ClinVar:

NM_018062.4(FANCL):c.217-11T>C

Gene: FANCL. ClinVar aggregate classification (germline): Benign. Benign (8).

Submissions 67 to 101 of 117:

Dr. Peter K. Rogan Lab, Western University
No classification provided (evidence only). Condition: Chronic lymphocytic leukemia/small lymphocytic lymphoma. Review status: no classification provided. Collection method: in vitro. Allele origin: not applicable. Functional consequence: skipped exon. Not counted in ClinVar's aggregate classification.

Dr. Peter K. Rogan Lab, Western University
No classification provided (evidence only). Condition: Chronic lymphocytic leukemia/small lymphocytic lymphoma. Review status: no classification provided. Collection method: in vitro. Allele origin: not applicable. Functional consequence: skipped exon, retained intron. Not counted in ClinVar's aggregate classification.

Dr. Peter K. Rogan Lab, Western University
No classification provided (evidence only). Condition: Nonpapillary renal cell carcinoma. Review status: no classification provided. Collection method: in vitro. Allele origin: not applicable. Functional consequence: skipped exon, retained intron. Not counted in ClinVar's aggregate classification.

Dr. Peter K. Rogan Lab, Western University
No classification provided (evidence only). Condition: Nonpapillary renal cell carcinoma. Review status: no classification provided. Collection method: in vitro. Allele origin: not applicable. Functional consequence: skipped exon. Not counted in ClinVar's aggregate classification.

Dr. Peter K. Rogan Lab, Western University
No classification provided (evidence only). Condition: Nonpapillary renal cell carcinoma. Review status: no classification provided. Collection method: in vitro. Allele origin: not applicable. Functional consequence: skipped exon. Not counted in ClinVar's aggregate classification.

Dr. Peter K. Rogan Lab, Western University
No classification provided (evidence only). Condition: Nonpapillary renal cell carcinoma. Review status: no classification provided. Collection method: in vitro. Allele origin: not applicable. Functional consequence: skipped exon. Not counted in ClinVar's aggregate classification.

Dr. Peter K. Rogan Lab, Western University
No classification provided (evidence only). Condition: Nonpapillary renal cell carcinoma. Review status: no classification provided. Collection method: in vitro. Allele origin: not applicable. Functional consequence: skipped exon. Not counted in ClinVar's aggregate classification.

Dr. Peter K. Rogan Lab, Western University
No classification provided (evidence only). Condition: Nonpapillary renal cell carcinoma. Review status: no classification provided. Collection method: in vitro. Allele origin: not applicable. Functional consequence: skipped exon, retained intron. Not counted in ClinVar's aggregate classification.

Dr. Peter K. Rogan Lab, Western University
No classification provided (evidence only). Condition: Nonpapillary renal cell carcinoma. Review status: no classification provided. Collection method: in vitro. Allele origin: not applicable. Functional consequence: skipped exon, retained intron. Not counted in ClinVar's aggregate classification.

Dr. Peter K. Rogan Lab, Western University
No classification provided (evidence only). Condition: Nonpapillary renal cell carcinoma. Review status: no classification provided. Collection method: in vitro. Allele origin: not applicable. Functional consequence: skipped exon. Not counted in ClinVar's aggregate classification.

Dr. Peter K. Rogan Lab, Western University
No classification provided (evidence only). Condition: Nonpapillary renal cell carcinoma. Review status: no classification provided. Collection method: in vitro. Allele origin: not applicable. Functional consequence: skipped exon. Not counted in ClinVar's aggregate classification.

Dr. Peter K. Rogan Lab, Western University
No classification provided (evidence only). Condition: Nonpapillary renal cell carcinoma. Review status: no classification provided. Collection method: in vitro. Allele origin: not applicable. Functional consequence: skipped exon, retained intron. Not counted in ClinVar's aggregate classification.

Dr. Peter K. Rogan Lab, Western University
No classification provided (evidence only). Condition: Nonpapillary renal cell carcinoma. Review status: no classification provided. Collection method: in vitro. Allele origin: not applicable. Functional consequence: skipped exon, retained intron. Not counted in ClinVar's aggregate classification.

Dr. Peter K. Rogan Lab, Western University
No classification provided (evidence only). Condition: Familial pancreatic carcinoma. Review status: no classification provided. Collection method: in vitro. Allele origin: not applicable. Functional consequence: skipped exon, retained intron. Not counted in ClinVar's aggregate classification.

Dr. Peter K. Rogan Lab, Western University
No classification provided (evidence only). Condition: Familial pancreatic carcinoma. Review status: no classification provided. Collection method: in vitro. Allele origin: not applicable. Functional consequence: skipped exon, retained intron. Not counted in ClinVar's aggregate classification.

Dr. Peter K. Rogan Lab, Western University
No classification provided (evidence only). Condition: Familial pancreatic carcinoma. Review status: no classification provided. Collection method: in vitro. Allele origin: not applicable. Functional consequence: skipped exon. Not counted in ClinVar's aggregate classification.

Dr. Peter K. Rogan Lab, Western University
No classification provided (evidence only). Condition: Familial pancreatic carcinoma. Review status: no classification provided. Collection method: in vitro. Allele origin: not applicable. Functional consequence: skipped exon, retained intron. Not counted in ClinVar's aggregate classification.

Dr. Peter K. Rogan Lab, Western University
No classification provided (evidence only). Condition: Familial pancreatic carcinoma. Review status: no classification provided. Collection method: in vitro. Allele origin: not applicable. Functional consequence: skipped exon, retained intron. Not counted in ClinVar's aggregate classification.

Dr. Peter K. Rogan Lab, Western University
No classification provided (evidence only). Condition: Familial pancreatic carcinoma. Review status: no classification provided. Collection method: in vitro. Allele origin: not applicable. Functional consequence: skipped exon, retained intron. Not counted in ClinVar's aggregate classification.

Dr. Peter K. Rogan Lab, Western University
No classification provided (evidence only). Condition: Familial pancreatic carcinoma. Review status: no classification provided. Collection method: in vitro. Allele origin: not applicable. Functional consequence: skipped exon, retained intron. Not counted in ClinVar's aggregate classification.

Dr. Peter K. Rogan Lab, Western University
No classification provided (evidence only). Condition: Familial pancreatic carcinoma. Review status: no classification provided. Collection method: in vitro. Allele origin: not applicable. Functional consequence: skipped exon. Not counted in ClinVar's aggregate classification.

Dr. Peter K. Rogan Lab, Western University
No classification provided (evidence only). Condition: Familial pancreatic carcinoma. Review status: no classification provided. Collection method: in vitro. Allele origin: not applicable. Functional consequence: skipped exon, retained intron. Not counted in ClinVar's aggregate classification.

Dr. Peter K. Rogan Lab, Western University
No classification provided (evidence only). Condition: Familial pancreatic carcinoma. Review status: no classification provided. Collection method: in vitro. Allele origin: not applicable. Functional consequence: skipped exon. Not counted in ClinVar's aggregate classification.

Dr. Peter K. Rogan Lab, Western University
No classification provided (evidence only). Condition: Hepatocellular carcinoma. Review status: no classification provided. Collection method: in vitro. Allele origin: not applicable. Functional consequence: skipped exon. Not counted in ClinVar's aggregate classification.

Dr. Peter K. Rogan Lab, Western University
No classification provided (evidence only). Condition: Hepatocellular carcinoma. Review status: no classification provided. Collection method: in vitro. Allele origin: not applicable. Functional consequence: skipped exon, retained intron. Not counted in ClinVar's aggregate classification.

Dr. Peter K. Rogan Lab, Western University
No classification provided (evidence only). Condition: Lymphoma. Review status: no classification provided. Collection method: in vitro. Allele origin: not applicable. Functional consequence: skipped exon. Not counted in ClinVar's aggregate classification.

Dr. Peter K. Rogan Lab, Western University
No classification provided (evidence only). Condition: Lymphoma. Review status: no classification provided. Collection method: in vitro. Allele origin: not applicable. Functional consequence: skipped exon, retained intron. Not counted in ClinVar's aggregate classification.

Dr. Peter K. Rogan Lab, Western University
No classification provided (evidence only). Condition: Lymphoma. Review status: no classification provided. Collection method: in vitro. Allele origin: not applicable. Functional consequence: skipped exon, retained intron. Not counted in ClinVar's aggregate classification.

Dr. Peter K. Rogan Lab, Western University
No classification provided (evidence only). Condition: Lymphoma. Review status: no classification provided. Collection method: in vitro. Allele origin: not applicable. Functional consequence: skipped exon, retained intron. Not counted in ClinVar's aggregate classification.

Dr. Peter K. Rogan Lab, Western University
No classification provided (evidence only). Condition: Lymphoma. Review status: no classification provided. Collection method: in vitro. Allele origin: not applicable. Functional consequence: skipped exon. Not counted in ClinVar's aggregate classification.

Dr. Peter K. Rogan Lab, Western University
No classification provided (evidence only). Condition: Lymphoma. Review status: no classification provided. Collection method: in vitro. Allele origin: not applicable. Functional consequence: skipped exon. Not counted in ClinVar's aggregate classification.

Dr. Peter K. Rogan Lab, Western University
No classification provided (evidence only). Condition: Lymphoma. Review status: no classification provided. Collection method: in vitro. Allele origin: not applicable. Functional consequence: skipped exon, retained intron. Not counted in ClinVar's aggregate classification.

Dr. Peter K. Rogan Lab, Western University
No classification provided (evidence only). Condition: Lymphoma. Review status: no classification provided. Collection method: in vitro. Allele origin: not applicable. Functional consequence: skipped exon. Not counted in ClinVar's aggregate classification.

Dr. Peter K. Rogan Lab, Western University
No classification provided (evidence only). Condition: Lymphoma. Review status: no classification provided. Collection method: in vitro. Allele origin: not applicable. Functional consequence: skipped exon. Not counted in ClinVar's aggregate classification.

Dr. Peter K. Rogan Lab, Western University
No classification provided (evidence only). Condition: Lymphoma. Review status: no classification provided. Collection method: in vitro. Allele origin: not applicable. Functional consequence: skipped exon, retained intron. Not counted in ClinVar's aggregate classification.